The following is an entry in ClinVar:

NM_000246.4(CIITA):c.1416G>A (p.Leu472=)

Gene: CIITA (class II major histocompatibility complex transactivator; plus strand). Cytogenetic location: 16p13.13.
Variant type: single nucleotide variant.
Coding change: c.1416G>A on transcript NM_000246.4 (MANE Select); coding-DNA position 1416, G replaced by A.
Protein change: p.Leu472=; no amino-acid change (leucine 472 retained).
Molecular consequence: synonymous variant. On other transcripts: intron variant (1).
Genome position (GRCh38, 1-based): chr16:10,906,908, G>A. VCF-style: chr16-10906908-G-A. GRCh37 (hg19) VCF-style: chr16-11000765-G-A.
Other names: c.1419G>A, p.Leu473= (NM_001286402.1, NM_001379332.1); c.1272G>A, p.Leu424= (NM_001379330.1); c.1269G>A, p.Leu423= (NM_001379331.1); c.1416G>A, p.Leu472= (NM_001379333.1); c.1347G>A, p.Leu449= (NM_001379334.1); c.860-2075G>A (NM_001286403.2).
Identifiers: ClinVar variation 642875 (VCV000642875.6), dbSNP rs757999354, ClinGen allele CA7900121.
Genomic context (GRCh38, chr16:10,906,908, plus strand): 5'-CTGCCATTGCTTGAACCGTCCGGGGGATGCCTATGGCCTGCAGGATCTGCTCTTCTCCCT[G>A]GGCCCACAGCCACTCGTGGCGGCCGATGAGGTTTTCAGCCACATCTTGAAGAGACCTGAC-3'
Protein context (NP_000237.2, residues 462-482): AYGLQDLLFS[Leu472=]GPQPLVAADE

ClinVar aggregate classification (germline): Uncertain significance. Review status: criteria provided, single submitter (1 of 4 stars). 2 submissions from 2 submitters: Uncertain significance (1). 1 of the submissions does not count toward it. Last evaluated 2022-05-03.

Conditions:
MHC class II deficiency. Also called: Bare lymphocyte syndrome 2; BLS, TYPE II. Identifiers: Orphanet 572, MedGen C5447452, MONDO:0008855.

Allele frequency attached by ClinVar (database versions not stated): gnomAD 0.00003; TOPMed 0.00004.
gnomAD v4.1: 10 of 1,613,372 alleles (0.00062%); highest among the groups gnomAD compares: African/African-American, 0.013%; no homozygotes.

Submissions (2):

Labcorp Genetics (formerly Invitae), Labcorp
Classification: Uncertain significance for MHC class II deficiency. Last evaluated: 2022-05-03. Review status: criteria provided, single submitter. Criteria: Invitae Variant Classification Sherloc (09022015). Collection method: clinical testing. Allele origin: germline.
Comment: This sequence change affects codon 472 of the CIITA mRNA. It is a 'silent' change, meaning that it does not change the encoded amino acid sequence of the CIITA protein. This variant is present in population databases (rs757999354, gnomAD 0.03%). This variant has not been reported in the literature in individuals affected with CIITA-related conditions. ClinVar contains an entry for this variant (Variation ID: 642875). Algorithms developed to predict the effect of sequence changes on RNA splicing suggest that this variant may create or strengthen a splice site. In summary, the available evidence is currently insufficient to determine the role of this variant in disease. Therefore, it has been classified as a Variant of Uncertain Significance.

Natera, Inc.
Classification: Uncertain significance for Bare lymphocyte syndrome type II. Last evaluated: 2020-09-16. Review status: no assertion criteria provided. Collection method: clinical testing. Allele origin: germline. Not counted in ClinVar's aggregate classification.